The following is an entry in ClinVar:

NM_000143.4(FH):c.921T>C (p.Thr307=)

Gene: FH (fumarate hydratase; minus strand). Cytogenetic location: 1q43.
Variant type: single nucleotide variant.
Coding change: c.921T>C on transcript NM_000143.4 (MANE Select); coding-DNA position 921, T replaced by C.
Protein change: p.Thr307=; no amino-acid change (threonine 307 retained).
Molecular consequence: synonymous variant.
Genome position (GRCh38, 1-based): chr1:241,504,229, A>G on the plus strand (T>C on the coding strand, the complement: FH is on the minus strand). VCF-style: chr1-241504229-A-G. GRCh37 (hg19) VCF-style: chr1-241667529-A-G.
Identifiers: ClinVar variation 1766242 (VCV001766242.4), dbSNP rs1240528183, ClinGen allele CA424075854.

ClinVar aggregate classification (germline): Benign/Likely benign. Review status: criteria provided, multiple submitters, no conflicts (2 of 4 stars). 3 submissions from 3 submitters: Benign (1); Likely benign (2). Last evaluated 2025-10-13.

Conditions:
Hereditary cancer-predisposing syndrome. Also called: Neoplastic Syndromes, Hereditary; Tumor predisposition; Hereditary Cancer Syndrome; Hereditary neoplastic syndrome. Identifiers: Orphanet 140162, MedGen C0027672, MeSH D009386, MONDO:0015356.
Hereditary leiomyomatosis and renal cell cancer. Also called: MULTIPLE CUTANEOUS AND UTERINE LEIOMYOMATA 1, WITH OR WITHOUT RENAL CELL CARCINOMA; LEIOMYOMA, MULTIPLE CUTANEOUS; Reed syndrome; Multiple cutaneous and uterine leiomyomatosis; Cutaneous leiomyomata with uterine leiomyomata; Leiomyoma, hereditary multiple, of skin. Identifiers: Orphanet 523, MedGen C1708350, MONDO:0007888, OMIM 150800, HP:0007437. Disease mechanism: loss of function.

Allele frequency attached by ClinVar (database versions not stated): gnomAD exomes below 0.00001.
gnomAD v4.1: 2 of 1,614,194 alleles (0.00012%); highest among the groups gnomAD compares: African/African-American, 0.0013%; no homozygotes.

Submissions (3):

Labcorp Genetics (formerly Invitae), Labcorp
Classification: Likely benign. Last evaluated: 2025-10-13. Review status: criteria provided, single submitter. Criteria: Invitae Variant Classification Sherloc (09022015). Collection method: clinical testing. Allele origin: germline.

Myriad Genetics, Inc.
Classification: Benign for Hereditary leiomyomatosis and renal cell cancer. Last evaluated: 2024-10-18. Review status: criteria provided, single submitter. Criteria: Myriad Autosomal Dominant, Autosomal Recessive and X-Linked Classification Criteria (2023). Collection method: clinical testing. Allele origin: unknown.
Comment: This variant is considered benign. This variant is a silent/synonymous amino acid change and it is not expected to impact splicing.

Ambry Genetics
Classification: Likely benign for Hereditary cancer-predisposing syndrome. Last evaluated: 2020-05-04. Review status: criteria provided, single submitter. Criteria: Ambry Variant Classification Scheme 2023. Collection method: clinical testing. Allele origin: germline.